The following is an entry in ClinVar:

NM_145064.3(STAC3):c.336CAA[2] (p.Asn114del)

Gene: STAC3 (SH3 and cysteine rich domain 3; minus strand). Cytogenetic location: 12q13.3.
Variant type: Microsatellite.
Coding change: c.336CAA[2] on transcript NM_145064.3 (MANE Select); two copies in a row of the 3-base unit CAA starting at c.336; the reference has three copies in a row; one copy, 3 bases deleted.
Protein change: p.Asn114del; deletes asparagine 114.
Molecular consequence: inframe deletion. On other transcripts: intron variant (1).
Genome position (GRCh38, 1-based): chr12:57,248,794-57,248,796, TTG deleted on the plus strand (CAA on the coding strand, the reverse complement: STAC3 is on the minus strand); deleting any 3 consecutive bases within chr12:57,248,794-57,248,802 gives the same sequence; the position shown is the placement nearest the transcript's 3' end. VCF-style (leftmost placement, unchanged base first): chr12-57248793-CTTG-C. GRCh37 (hg19) VCF-style: chr12-57642576-CTTG-C.
Other names: c.219CAA[2], p.Asn75del (NM_001286256.2); c.-126-604CAA[2] (NM_001286257.2); short protein forms N75del, N114del.
Identifiers: ClinVar variation 1399040 (VCV001399040.4), dbSNP rs1260528039, ClinGen allele CA605304372.
Genomic context (GRCh38, chr12:57,248,793, plus strand): 5'-CACATAGGACTGACAGTGTTCATGGATGTTGGTTTTGCAGTTCTTACAGCGAAGCCCAAA[CTTG>C]TTGTTGACTTGGGAAAGGGGGAGAAAATTCAGATAAGGTTCCAGATTGCCCTTTCCCTTT-3'

ClinVar aggregate classification (germline): Uncertain significance (1 of 4 stars; one submission).

Conditions:
Bailey-Bloch congenital myopathy (CMYO13). Also called: Congenital myopathy 13; STAC3 disorder; Native American myopathy. Identifiers: Orphanet 168572, MedGen C1850625, MONDO:0009722, OMIM 255995.

Submission:

Labcorp Genetics (formerly Invitae), Labcorp
Classification: Uncertain significance for Bailey-Bloch congenital myopathy. Last evaluated: 2021-09-29. Review status: criteria provided, single submitter. Criteria: Invitae Variant Classification Sherloc (09022015). Collection method: clinical testing. Allele origin: germline.
Comment: In summary, the available evidence is currently insufficient to determine the role of this variant in disease. Therefore, it has been classified as a Variant of Uncertain Significance. Experimental studies and prediction algorithms are not available or were not evaluated, and the functional significance of this variant is currently unknown. This variant has not been reported in the literature in individuals affected with STAC3-related conditions. This variant is not present in population databases (ExAC no frequency). This variant, c.342_344del, results in the deletion of 1 amino acid(s) of the STAC3 protein (p.Asn114del), but otherwise preserves the integrity of the reading frame.